The following is an entry in ClinVar:

ClinVar aggregate classification (germline): Benign. Review status: criteria provided, multiple submitters, no conflicts (2 of 4 stars). 2 submissions from 2 submitters: Benign (2). Last evaluated 2013-02-21.

Allele frequency attached by ClinVar (database versions not stated): 1000 Genomes Project 0.01478; TOPMed 0.01983; ESP Exome Variant Server 0.02527; gnomAD 0.02605 and 0.02517; gnomAD exomes 0.02314 and 0.02969; 1000 Genomes Project 30x 0.01437; ExAC 0.03828.
gnomAD v4.1: 45,733 of 1,570,458 alleles (2.9%); highest among the groups gnomAD compares: Non-Finnish European, 3.2%; 840 homozygotes.

Submissions (2):

Laboratory for Molecular Medicine, Mass General Brigham Personalized Medicine
Classification: Benign. Last evaluated: 2013-02-21. Review status: criteria provided, single submitter. Criteria: LMM Criteria. Collection method: clinical testing. Allele origin: germline. Observed: 7 variant alleles.
Comment: Glu5474Asp in exon 41 of MUC5B: This variant is not expected to have clinical si gnificance because it has been identified in 3.0% (247/8246) of European America n chromosomes from a broad population by the NHLBI Exome Sequencing Project (dbSNP rs56220864).

Breakthrough Genomics
Classification: Benign. Review status: criteria provided, single submitter. Criteria: ACMG Guidelines, 2015. Collection method: not provided. Allele origin: germline. Inheritance: Autosomal dominant inheritance. Affected: yes.

NM_002458.3(MUC5B):c.16422G>C (p.Glu5474Asp)

Gene: MUC5B (mucin 5B, oligomeric mucus/gel-forming; plus strand). Cytogenetic location: 11p15.5.
Variant type: single nucleotide variant.
Coding change: c.16422G>C on transcript NM_002458.3 (MANE Select); coding-DNA position 16422, G replaced by C.
Protein change: p.Glu5474Asp; replaces glutamic acid 5474 with aspartic acid.
Molecular consequence: missense variant.
Genome position (GRCh38, 1-based): chr11:1,257,682, G>C. VCF-style: chr11-1257682-G-C. GRCh37 (hg19) VCF-style: chr11-1278912-G-C.
Other names: short protein forms E5474D.
Identifiers: ClinVar variation 164010 (VCV000164010.5), dbSNP rs56220864, ClinGen allele CA176780.